The following is an entry in ClinVar:

ClinVar aggregate classification (germline): Uncertain significance. Review status: criteria provided, multiple submitters, no conflicts (2 of 4 stars). 3 submissions from 3 submitters: Uncertain significance (3). Last evaluated 2025-06-09.

Conditions:
Oligodontia-cancer predisposition syndrome. Also called: TOOTH AGENESIS-COLORECTAL CANCER SYNDROME. Identifiers: Orphanet 300576, MedGen C1837750, MONDO:0012075, OMIM 608615. Disease mechanism: loss of function.
Hereditary cancer-predisposing syndrome. Also called: Hereditary neoplastic syndrome; Neoplastic Syndromes, Hereditary; Hereditary Cancer Syndrome; Tumor predisposition. Identifiers: Orphanet 140162, MedGen C0027672, MeSH D009386, MONDO:0015356.

Allele frequency attached by ClinVar (database versions not stated): ExAC 0.00001; gnomAD exomes 0.00001.
gnomAD v4.1: 3 of 1,614,164 alleles (0.00019%); highest among the groups gnomAD compares: Admixed American, 0.0017%; no homozygotes.

Submissions (3):

Ambry Genetics
Classification: Uncertain significance for Hereditary cancer-predisposing syndrome. Last evaluated: 2025-06-09. Review status: criteria provided, single submitter. Criteria: Ambry Variant Classification Scheme 2023. Collection method: clinical testing. Allele origin: germline.
Comment: The p.A257V variant (also known as c.770C>T), located in coding exon 1 of the AXIN2 gene, results from a C to T substitution at nucleotide position 770. The alanine at codon 257 is replaced by valine, an amino acid with similar properties. This amino acid position is highly conserved in available vertebrate species. In addition, this alteration is predicted to be tolerated by in silico analysis. Since supporting evidence is limited at this time, the clinical significance of this alteration remains unclear.

Labcorp Genetics (formerly Invitae), Labcorp
Classification: Uncertain significance for Oligodontia-cancer predisposition syndrome. Last evaluated: 2025-04-13. Review status: criteria provided, single submitter. Criteria: Invitae Variant Classification Sherloc (09022015). Collection method: clinical testing. Allele origin: germline.
Comment: This sequence change replaces alanine, which is neutral and non-polar, with valine, which is neutral and non-polar, at codon 257 of the AXIN2 protein (p.Ala257Val). This variant is present in population databases (rs761317788, gnomAD 0.006%). This variant has not been reported in the literature in individuals affected with AXIN2-related conditions. ClinVar contains an entry for this variant (Variation ID: 658394). Invitae Evidence Modeling of protein sequence and biophysical properties (such as structural, functional, and spatial information, amino acid conservation, physicochemical variation, residue mobility, and thermodynamic stability) indicates that this missense variant is not expected to disrupt AXIN2 protein function with a negative predictive value of 80%. In summary, the available evidence is currently insufficient to determine the role of this variant in disease. Therefore, it has been classified as a Variant of Uncertain Significance.

GeneDx
Classification: Uncertain significance. Last evaluated: 2020-11-09. Review status: criteria provided, single submitter. Criteria: GeneDx Variant Classification Process June 2021. Collection method: clinical testing. Allele origin: germline. Affected: yes.
Comment: Not observed at a significant frequency in large population cohorts (Lek 2016); In silico analysis supports that this missense variant does not alter protein structure/function; Has not been previously published as pathogenic or benign to our knowledge

NM_004655.4(AXIN2):c.770C>T (p.Ala257Val)

Gene: AXIN2 (axin 2; minus strand). Cytogenetic location: 17q24.1.
Variant type: single nucleotide variant.
Coding change: c.770C>T on transcript NM_004655.4 (MANE Select); coding-DNA position 770, C replaced by T.
Protein change: p.Ala257Val; replaces alanine 257 with valine.
Molecular consequence: missense variant.
Genome position (GRCh38, 1-based): chr17:65,557,851, G>A on the plus strand (C>T on the coding strand, the complement: AXIN2 is on the minus strand). VCF-style: chr17-65557851-G-A. GRCh37 (hg19) VCF-style: chr17-63553969-G-A.
Other names: c.770C>T (LRG_296t1); c.770C>T, p.Ala257Val (NM_001363813.1); short protein forms A257V.
Identifiers: ClinVar variation 658394 (VCV000658394.15), dbSNP rs761317788, ClinGen allele CA8718992.
Genomic context (GRCh38, chr17:65,557,851, plus strand): 5'-CCGTCAAAGTCTTACCTGTATCCACTGTCAACAGTTTCCGTGGACCTCACACTCGCCGTG[G>A]CCCTCAGAGTTTTGCTGGACAAGCCAACCACGGTTGGCGAAAGTTTGCACTTGAAGTCGG-3'
Protein context (NP_004646.3, residues 247-267): VVGLSSKTLR[Ala257Val]TASVRSTETV